The following is an entry in ClinVar:

ClinVar aggregate classification (germline): Conflicting classifications of pathogenicity. Review status: criteria provided, conflicting classifications (1 of 4 stars). 3 submissions from 3 submitters: Uncertain significance (2); Likely benign (1). Last evaluated 2026-04-17.

Conditions:
Neurofibromatosis, type 1 (NF1). Also called: Neurofibromatosis, type I; VON RECKLINGHAUSEN DISEASE; NEUROFIBROMATOSIS, TYPE I, SOMATIC; Peripheral type neurofibromatosis. Identifiers: Orphanet 636, MedGen C0027831, MONDO:0018975, OMIM 162200. Disease mechanism: loss of function.
Hereditary cancer-predisposing syndrome. Also called: Tumor predisposition; Hereditary neoplastic syndrome; Neoplastic Syndromes, Hereditary; Hereditary Cancer Syndrome. Identifiers: Orphanet 140162, MedGen C0027672, MeSH D009386, MONDO:0015356.
Cardiovascular phenotype. Identifiers: MedGen CN230736.

Allele frequency attached by ClinVar (database versions not stated): gnomAD exomes below 0.00001.
gnomAD v4.1: 1 of 1,613,706 alleles (0.000062%); highest among the groups gnomAD compares: Non-Finnish European, 0.000085%; no homozygotes.

Submissions (3):

Ambry Genetics
Classification: Likely benign for Cardiovascular phenotype; Hereditary cancer-predisposing syndrome. Last evaluated: 2026-04-17. Review status: criteria provided, single submitter. Criteria: Ambry Variant Classification Scheme 2023. Collection method: clinical testing. Allele origin: germline.

Labcorp Genetics (formerly Invitae), Labcorp
Classification: Uncertain significance for Neurofibromatosis, type 1. Last evaluated: 2024-12-31. Review status: criteria provided, single submitter. Criteria: Invitae Variant Classification Sherloc (09022015). Collection method: clinical testing. Allele origin: germline.
Comment: This sequence change replaces serine, which is neutral and polar, with glycine, which is neutral and non-polar, at codon 674 of the NF1 protein (p.Ser674Gly). This variant is not present in population databases (gnomAD no frequency). This variant has not been reported in the literature in individuals affected with NF1-related conditions. ClinVar contains an entry for this variant (Variation ID: 527434). Invitae Evidence Modeling of protein sequence and biophysical properties (such as structural, functional, and spatial information, amino acid conservation, physicochemical variation, residue mobility, and thermodynamic stability) indicates that this missense variant is not expected to disrupt NF1 protein function with a negative predictive value of 95%. In summary, the available evidence is currently insufficient to determine the role of this variant in disease. Therefore, it has been classified as a Variant of Uncertain Significance.

Genome-Nilou Lab
Classification: Uncertain significance for Neurofibromatosis, type 1. Last evaluated: 2022-03-15. Review status: criteria provided, single submitter. Criteria: ACMG Guidelines, 2015. Collection method: clinical testing. Allele origin: germline. Affected: no.

NM_001042492.3(NF1):c.2020A>G (p.Ser674Gly)

Gene: NF1 (neurofibromin 1; plus strand). Cytogenetic location: 17q11.2.
Variant type: single nucleotide variant.
Coding change: c.2020A>G on transcript NM_001042492.3 (MANE Select); coding-DNA position 2020, A replaced by G.
Protein change: p.Ser674Gly; replaces serine 674 with glycine.
Molecular consequence: missense variant.
Genome position (GRCh38, 1-based): chr17:31,226,453, A>G. VCF-style: chr17-31226453-A-G. GRCh37 (hg19) VCF-style: chr17-29553471-A-G.
Other names: c.2020A>G, p.Ser674Gly (NM_000267.4); short protein forms S674G.
Identifiers: ClinVar variation 527434 (VCV000527434.12), dbSNP rs1555613753, ClinGen allele CA398982026.